The following is an entry in ClinVar:

NM_005406.3(ROCK1):c.2318C>G (p.Thr773Ser)

Gene: ROCK1 (Rho associated coiled-coil containing protein kinase 1; minus strand). Cytogenetic location: 18q11.1.
Variant type: single nucleotide variant.
Coding change: c.2318C>G on transcript NM_005406.3 (MANE Select); coding-DNA position 2318, C replaced by G.
Protein change: p.Thr773Ser; replaces threonine 773 with serine.
Molecular consequence: missense variant.
Genome position (GRCh38, 1-based): chr18:20,984,522, G>C on the plus strand (C>G on the coding strand, the complement: ROCK1 is on the minus strand). VCF-style: chr18-20984522-G-C. GRCh37 (hg19) VCF-style: chr18-18564483-G-C.
Other names: short protein forms T773S.
Identifiers: ClinVar variation 777895 (VCV000777895.25), dbSNP rs45562542, ClinGen allele CA8905712.
Genomic context (GRCh38, chr18:20,984,522, plus strand): 5'-TGAGTCTTCAATTCATTTTGTAACAACAGCCGCTTATTTGATTCCTGCTCCAGTTGCAGG[G>C]TTAGATTCTTAACCTATGAATGAGAAAAATAATTGGGATCTTAAATCTCTTAAATAATTT-3'
Protein context (NP_005397.1, residues 763-783): ERMEDEVKNL[Thr773Ser]LQLEQESNKR

ClinVar aggregate classification (germline): Benign. Review status: criteria provided, multiple submitters, no conflicts (2 of 4 stars). 3 submissions from 3 submitters: Benign (3). Last evaluated 2024-03-01.

Allele frequency attached by ClinVar (database versions not stated): 1000 Genomes Project 0.00419; 1000 Genomes Project 30x 0.00422; TOPMed 0.00834; ESP Exome Variant Server 0.00992; gnomAD 0.01001.
gnomAD v4.1: 19,092 of 1,608,498 alleles (1.2%); highest among the groups gnomAD compares: Non-Finnish European, 1.4%; 134 homozygotes.

Submissions (3):

CeGaT Center for Human Genetics Tuebingen
Classification: Benign. Last evaluated: 2024-03-01. Review status: criteria provided, single submitter. Criteria: CeGaT Center For Human Genetics Tuebingen Variant Classification Criteria Version 2. Collection method: clinical testing. Allele origin: germline. Affected: yes. Observed: 1 variant allele.
Comment: ROCK1: BP4, BS1, BS2

Labcorp Genetics (formerly Invitae), Labcorp
Classification: Benign. Last evaluated: 2018-06-15. Review status: criteria provided, single submitter. Criteria: Invitae Variant Classification Sherloc (09022015). Collection method: clinical testing. Allele origin: germline.

Breakthrough Genomics
Classification: Benign. Review status: criteria provided, single submitter. Criteria: ACMG Guidelines, 2015. Collection method: not provided. Allele origin: germline. Inheritance: Unknown mechanism. Affected: yes.